The following is an entry in ClinVar:

ClinVar aggregate classification (germline): Benign/Likely benign. Review status: criteria provided, multiple submitters, no conflicts (2 of 4 stars). 3 submissions from 3 submitters: Benign (1); Likely benign (1). 1 of the submissions does not count toward it. Last evaluated 2025-11-01.

Conditions:
ZFHX3-related disorder. Also called: ZFHX3-related condition.

Allele frequency attached by ClinVar (database versions not stated): 1000 Genomes Project 0.00100; 1000 Genomes Project 30x 0.00125; gnomAD 0.00213; TOPMed 0.00221; ExAC 0.00261; ESP Exome Variant Server 0.00269; gnomAD exomes 0.00366.
gnomAD v4.1: 5,627 of 1,609,470 alleles (0.35%); highest among the groups gnomAD compares: Non-Finnish European, 0.42%; 10 homozygotes.

Submissions (3):

CeGaT Center for Human Genetics Tuebingen
Classification: Benign. Last evaluated: 2025-11-01. Review status: criteria provided, single submitter. Criteria: CeGaT Center For Human Genetics Tuebingen Variant Classification Criteria Version 2. Collection method: clinical testing. Allele origin: germline. Affected: yes. Observed: 2 variant alleles.
Comment: ZFHX3: BS1, BS2

Blueprint Genetics
Classification: Likely benign. Last evaluated: 2024-11-27. Review status: criteria provided, single submitter. Criteria: ACMG Guidelines, 2015. Collection method: clinical testing. Allele origin: germline.

PreventionGenetics, part of Exact Sciences
Classification: Likely benign for ZFHX3-related condition. Last evaluated: 2022-07-18. Review status: no assertion criteria provided. Collection method: clinical testing. Allele origin: germline. Not counted in ClinVar's aggregate classification.
Comment: This variant is classified as likely benign based on ACMG/AMP sequence variant interpretation guidelines (Richards et al. 2015 PMID: 25741868, with internal and published modifications).

NM_006885.4(ZFHX3):c.8277G>T (p.Gln2759His)

Genes: ZFHX3 (zinc finger homeobox 3; minus strand), ZFHX3-AS1 (ZFHX3 antisense RNA 1; plus strand). Cytogenetic location: 16q22.2.
Variant type: single nucleotide variant.
Coding change: c.8277G>T on transcript NM_006885.4 (MANE Select); coding-DNA position 8277, G replaced by T.
Protein change: p.Gln2759His; replaces glutamine 2759 with histidine.
Molecular consequence: missense variant.
Genome position (GRCh38, 1-based): chr16:72,794,405, C>A on the plus strand (G>T on the coding strand, the complement: ZFHX3 is on the minus strand). VCF-style: chr16-72794405-C-A. GRCh37 (hg19) VCF-style: chr16-72828304-C-A.
Other names: c.5535G>T, p.Gln1845His (NM_001164766.2); c.8277G>T, p.Gln2759His (NM_001386735.1); c.8277G>T (NM_006885.3); short protein forms Q1845H, Q2759H.
Identifiers: ClinVar variation 2646823 (VCV002646823.26), dbSNP rs2229288, ClinGen allele CA8163083.